The following is an entry in ClinVar:

ClinVar aggregate classification (germline): Uncertain significance (1 of 4 stars; one submission).

Conditions:
NEK1-related disorder. Also called: NEK1-related condition.

gnomAD v4.1: 1 of 1,613,254 alleles (0.000062%); highest among the groups gnomAD compares: South Asian, 0.0011%; no homozygotes.

Submission:

PreventionGenetics, part of Exact Sciences
Classification: Uncertain significance for NEK1-related condition. Last evaluated: 2026-05-26. Review status: criteria provided, single submitter. Criteria: ACMG Guidelines, 2015. Collection method: clinical testing. Allele origin: germline.
Comment: The NEK1 c.1202T>C variant is predicted to result in the amino acid substitution p.Ile401Thr. To our knowledge, this variant has not been reported in the literature or in a large population database (gnomAD), indicating this variant is rare. At this time, the clinical significance of this variant is uncertain due to the absence of conclusive functional and genetic evidence.

NM_001199397.3(NEK1):c.1202T>C (p.Ile401Thr)

Gene: NEK1 (NIMA related kinase 1; minus strand). Cytogenetic location: 4q33.
Variant type: single nucleotide variant.
Coding change: c.1202T>C on transcript NM_001199397.3 (MANE Select); coding-DNA position 1202, T replaced by C.
Protein change: p.Ile401Thr; replaces isoleucine 401 with threonine.
Molecular consequence: missense variant. On other transcripts: non-coding transcript variant (2), intron variant (2).
Genome position (GRCh38, 1-based): chr4:169,561,544, A>G on the plus strand (T>C on the coding strand, the complement: NEK1 is on the minus strand). VCF-style: chr4-169561544-A-G. GRCh37 (hg19) VCF-style: chr4-170482695-A-G.
Other names: c.1202T>C, p.Ile401Thr (NM_001199398.3, NM_001199400.3, NM_001374418.1 and 8 more transcripts); c.1151T>C, p.Ile384Thr (NM_001374420.1); c.581T>C, p.Ile194Thr (NM_001440624.1, NM_001440625.1); c.1140+288T>C (NM_001374421.1); c.1191+143T>C (NM_001199399.3); short protein forms I384T, I401T, I194T.
Identifiers: ClinVar variation 4996212 (VCV004996212.1).